The following is an entry in ClinVar:

ClinVar aggregate classification (germline): Uncertain significance (1 of 4 stars; one submission).

Conditions:
Cardiovascular phenotype. Identifiers: MedGen CN230736.

Allele frequency attached by ClinVar (database versions not stated): gnomAD exomes below 0.00001.
gnomAD v4.1: 1 of 1,614,156 alleles (0.000062%); highest among the groups gnomAD compares: South Asian, 0.0011%; no homozygotes.

Submission:

Ambry Genetics
Classification: Uncertain significance for Cardiovascular phenotype. Last evaluated: 2021-11-22. Review status: criteria provided, single submitter. Criteria: Ambry Variant Classification Scheme 2023. Collection method: clinical testing. Allele origin: germline.
Comment: The p.A1887T variant (also known as c.5659G>A), located in coding exon 34 of the FLNC gene, results from a G to A substitution at nucleotide position 5659. The alanine at codon 1887 is replaced by threonine, an amino acid with similar properties. This amino acid position is conserved. In addition, the in silico prediction for this alteration is inconclusive. Since supporting evidence is limited at this time, the clinical significance of this alteration remains unclear.

NM_001458.5(FLNC):c.5659G>A (p.Ala1887Thr)

Genes: FLNC (filamin C; plus strand), FLNC-AS1 (FLNC antisense RNA 1; minus strand). Cytogenetic location: 7q32.1.
Variant type: single nucleotide variant.
Coding change: c.5659G>A on transcript NM_001458.5 (MANE Select); coding-DNA position 5659, G replaced by A.
Protein change: p.Ala1887Thr; replaces alanine 1887 with threonine.
Molecular consequence: missense variant.
Genome position (GRCh38, 1-based): chr7:128,851,351, G>A. VCF-style: chr7-128851351-G-A. GRCh37 (hg19) VCF-style: chr7-128491405-G-A.
Other names: c.5560G>A, p.Ala1854Thr (NM_001127487.2); short protein forms A1887T, A1854T.
Identifiers: ClinVar variation 1748902 (VCV001748902.2), dbSNP rs2536655865, ClinGen allele CA369207845.